The following is an entry in ClinVar:

NM_000138.5(FBN1):c.1201T>A (p.Tyr401Asn)

Gene: FBN1 (fibrillin 1; minus strand). Cytogenetic location: 15q21.1.
Variant type: single nucleotide variant.
Coding change: c.1201T>A on transcript NM_000138.5 (MANE Select); coding-DNA position 1201, T replaced by A.
Protein change: p.Tyr401Asn; replaces tyrosine 401 with asparagine.
Molecular consequence: missense variant.
Genome position (GRCh38, 1-based): chr15:48,516,309, A>T on the plus strand (T>A on the coding strand, the complement: FBN1 is on the minus strand). VCF-style: chr15-48516309-A-T. GRCh37 (hg19) VCF-style: chr15-48808506-A-T.
Other names: c.1201T>A, p.Tyr401Asn (NM_001406716.1); short protein forms Y401N.
Identifiers: ClinVar variation 2159294 (VCV002159294.4), dbSNP rs2043801068, ClinGen allele CA392345634.

ClinVar aggregate classification (germline): Uncertain significance. Review status: criteria provided, multiple submitters, no conflicts (2 of 4 stars). 3 submissions from 3 submitters: Uncertain significance (3). Last evaluated 2023-11-02.

Conditions:
Familial thoracic aortic aneurysm and aortic dissection (TAAD). Also called: Thoracic aortic aneurysms and dissections. Identifiers: Orphanet 91387, MedGen C4707243, MONDO:0019625.
Marfan syndrome (MFS). Also called: MARFAN SYNDROME, TYPE I; Marfan syndrome type 1; Marfan's syndrome; Marfan syndrome, classic; FBN1-Related Marfan Syndrome. Identifiers: Orphanet 284963, Orphanet 558, MedGen C0024796, MONDO:0007947, OMIM 154700.

Allele frequency attached by ClinVar (database versions not stated): gnomAD exomes 0.00001; TOPMed below 0.00001; gnomAD 0.00001.

Submissions (3):

All of Us Research Program, National Institutes of Health
Classification: Uncertain significance for Marfan syndrome. Last evaluated: 2023-11-02. Review status: criteria provided, single submitter. Criteria: ACMG Guidelines, 2015. Collection method: clinical testing. Allele origin: germline. Inheritance: Autosomal dominant inheritance. Observed: 2 variant alleles, 2 heterozygotes.
Comment: This missense variant replaces tyrosine with asparagine at codon 401 of the FBN1 protein. Computational prediction suggests that this variant may not impact protein structure and function (internally defined REVEL score threshold <= 0.5, PMID: 27666373). To our knowledge, functional studies have not been reported for this variant. This variant has not been reported in individuals affected with cardiovascular disorders in the literature. This variant has not been identified in the general population by the Genome Aggregation Database (gnomAD). The available evidence is insufficient to determine the role of this variant in disease conclusively. Therefore, this variant is classified as a Variant of Uncertain Significance.

This study involves interpretation of variants in research participants for the purpose of population health screening. Participant phenotype was not available at the time of variant classification. Additional details can be found in publication PMID: 35346344, PMCID: PMC8962531

Color Diagnostics, LLC DBA Color Health
Classification: Uncertain significance for Familial thoracic aortic aneurysm and aortic dissection. Last evaluated: 2023-10-19. Review status: criteria provided, single submitter. Criteria: ACMG Guidelines, 2015. Collection method: clinical testing. Allele origin: germline.
Comment: This missense variant replaces tyrosine with asparagine at codon 401 of the FBN1 protein. Computational prediction suggests that this variant may not impact protein structure and function (internally defined REVEL score threshold <= 0.5, PMID: 27666373). To our knowledge, functional studies have not been reported for this variant. This variant has not been reported in individuals affected with FBN1-related disorders in the literature. This variant has not been identified in the general population by the Genome Aggregation Database (gnomAD). The available evidence is insufficient to determine the role of this variant in disease conclusively. Therefore, this variant is classified as a Variant of Uncertain Significance.

Labcorp Genetics (formerly Invitae), Labcorp
Classification: Uncertain significance for Marfan syndrome; Familial thoracic aortic aneurysm and aortic dissection. Last evaluated: 2022-11-03. Review status: criteria provided, single submitter. Criteria: Invitae Variant Classification Sherloc (09022015). Collection method: clinical testing. Allele origin: germline.
Comment: This sequence change replaces tyrosine, which is neutral and polar, with asparagine, which is neutral and polar, at codon 401 of the FBN1 protein (p.Tyr401Asn). This variant is not present in population databases (gnomAD no frequency). This variant has not been reported in the literature in individuals affected with FBN1-related conditions. Advanced modeling of protein sequence and biophysical properties (such as structural, functional, and spatial information, amino acid conservation, physicochemical variation, residue mobility, and thermodynamic stability) performed at Invitae indicates that this missense variant is not expected to disrupt FBN1 protein function. In summary, the available evidence is currently insufficient to determine the role of this variant in disease. Therefore, it has been classified as a Variant of Uncertain Significance.